The following is an entry in ClinVar:

NM_000020.3(ACVRL1):c.590C>T (p.Thr197Ile)

Gene: ACVRL1 (activin A receptor like type 1; plus strand). Cytogenetic location: 12q13.13.
Variant type: single nucleotide variant.
Coding change: c.590C>T on transcript NM_000020.3 (MANE Select); coding-DNA position 590, C replaced by T.
Protein change: p.Thr197Ile; replaces threonine 197 with isoleucine.
Molecular consequence: missense variant. On other transcripts: intron variant (6).
Genome position (GRCh38, 1-based): chr12:51,914,038, C>T. VCF-style: chr12-51914038-C-T. GRCh37 (hg19) VCF-style: chr12-52307822-C-T.
Other names: c.590C>T, p.Thr197Ile (NM_001077401.2, NM_001406487.1, NM_001406488.1 and 1 more transcripts); c.314-401C>T (NM_001406491.1, NM_001406490.1, NM_001406492.1 and 2 more transcripts); c.62-401C>T (NM_001406495.1); short protein forms T197I.
Identifiers: ClinVar variation 3721151 (VCV003721151.4).

ClinVar aggregate classification (germline): Pathogenic/Likely pathogenic. Review status: criteria provided, multiple submitters, no conflicts (2 of 4 stars). 2 submissions from 2 submitters: Pathogenic (1); Likely pathogenic (1). Last evaluated 2025-08-21.

Conditions:
Telangiectasia, hereditary hemorrhagic, type 2 (HHT2). Also called: Telangiectasia, hereditary hemorrhagic, type II; ACVRL1-Related Hereditary Hemorrhagic Telangiectasia. Identifiers: Orphanet 774, MedGen C1838163, MONDO:0010880, OMIM 600376. Disease mechanism: loss of function.

Submissions (2):

Victorian Clinical Genetics Services, Murdoch Childrens Research Institute
Classification: Likely pathogenic for Telangiectasia, hereditary hemorrhagic, type 2. Last evaluated: 2025-08-21. Review status: criteria provided, single submitter. Criteria: ACMG Guidelines, 2015. Collection method: clinical testing. Allele origin: germline. Affected: yes.
Comment: This variant is classified as Likely pathogenic. Evidence in support of pathogenic classification: Variant is absent from gnomAD (v2, v3 and v4); This variant has limited previous evidence of pathogenicity in unrelated individual(s).This variant has been classified as pathogenic by a clinical laboratory in ClinVar, and reported in the literature in an individual with hereditary haemorrhagic telangiectasia (PMID: 16752392); This variant has moderate functional evidence supporting abnormal protein function. Luciferase assays in cells transfected with the p.(Thr197Ile) mutant showed significantly reduced BMP9-induced transcription compared to wildtype (PMID: 37568404); Other missense variant(s) comparable to the one identified in this case have moderate previous evidence for pathogenicity. p.(Thr197Lys) has been classified as likely pathogenic and as a VUS by clinical laboratories in ClinVar, with the VUS seen in an individual with HHT (personal correspondence GeneDx). p.(Thr197Arg) has been classified as likely pathogenic by a clinical laboratory in Clinvar. p.(Thr197Ala) has been classified as a VUS by a clinical laboratory in ClinVar, and reported in the literature in an individual with suspected hereditary haemorrhagic telangiectasia (PMID: 38202257). p.(Thr197Ser) has been classified as a VUS by a clinical laboratory in ClinVar in an individual with HHT (personal correspondence Ambry Genetics); Missense variant predicted to be damaging by in silico tool(s) or highly conserved with a major amino acid change; Strong phenotype match for this individual. Additional information: Variant is predicted to result in a missense amino acid change from Thr to Ile; This variant is heterozygous; This gene is associated with autosomal dominant disease; Variant is located in the annotated transforming growth factor beta type I GS-motif domain (DECIPHER); Dominant negative and loss of function are known mechanisms of disease in this gene and are associated with hereditary haemorrhagic telangiectasia type 2 (MIM# 600376) (PMID: 16282348, 26176610); Variants in this gene are known to have variable expressivity. Clinical expression is known to be extremely variable and age-dependent (PMID: 19767588); Inheritance information for this variant is not currently available in this individual.

Labcorp Genetics (formerly Invitae), Labcorp
Classification: Pathogenic for Telangiectasia, hereditary hemorrhagic, type 2. Last evaluated: 2025-04-11. Review status: criteria provided, single submitter. Criteria: Invitae Variant Classification Sherloc (09022015). Collection method: clinical testing. Allele origin: germline.
Comment: This sequence change replaces threonine, which is neutral and polar, with isoleucine, which is neutral and non-polar, at codon 197 of the ACVRL1 protein (p.Thr197Ile). This variant is not present in population databases (gnomAD no frequency). This missense change has been observed in individual(s) with hereditary hemorrhagic telangiectasia (PMID: 16752392). ClinVar contains an entry for this variant (Variation ID: 3721151). Invitae Evidence Modeling of protein sequence and biophysical properties (such as structural, functional, and spatial information, amino acid conservation, physicochemical variation, residue mobility, and thermodynamic stability) indicates that this missense variant is expected to disrupt ACVRL1 protein function with a positive predictive value of 95%. This variant disrupts the p.Thr197 amino acid residue in ACVRL1. Other variant(s) that disrupt this residue have been determined to be pathogenic (PMID: 30578397; internal data). This suggests that this residue is clinically significant, and that variants that disrupt this residue are likely to be disease-causing. For these reasons, this variant has been classified as Pathogenic.

Literature cited by the submitters: PubMed 19767588 (cited by Victorian Clinical Genetics Services, Murdoch Childrens Research Institute); PubMed 38202257 (cited by Victorian Clinical Genetics Services, Murdoch Childrens Research Institute); PubMed 37568404 (cited by Victorian Clinical Genetics Services, Murdoch Childrens Research Institute); PubMed 16282348 (cited by Victorian Clinical Genetics Services, Murdoch Childrens Research Institute); PubMed 26176610 (cited by Victorian Clinical Genetics Services, Murdoch Childrens Research Institute); PubMed 16752392 (cited by Victorian Clinical Genetics Services, Murdoch Childrens Research Institute and Labcorp Genetics (formerly Invitae), Labcorp); PubMed 30578397 (cited by Labcorp Genetics (formerly Invitae), Labcorp).